The following is an entry in ClinVar:

ClinVar aggregate classification (germline): Conflicting classifications of pathogenicity. Review status: criteria provided, conflicting classifications (1 of 4 stars). 3 submissions from 3 submitters: Likely pathogenic (1); Uncertain significance (1). 1 of the submissions does not count toward it. Last evaluated 2022-05-20.

Conditions:
Hereditary factor VIII deficiency disease (HEMA). Also called: AUTOSOMAL HEMOPHILIA A; Hemophilia A; HEMOPHILIA, CLASSIC; Hemophilia A, congenital; HEM A; Factor 8 deficiency, congenital. Identifiers: Orphanet 98878, MedGen C0019069, MONDO:0010602, OMIM 306700.

gnomAD v4.1: 4 of 1,211,318 alleles (0.00033%); highest among the groups gnomAD compares: South Asian, 0.0053%; no homozygotes.

Submissions (3):

Blueprint Genetics
Classification: Uncertain significance. Last evaluated: 2022-05-20. Review status: criteria provided, single submitter. Criteria: ACMG Guidelines, 2015. Collection method: clinical testing. Allele origin: germline.

CeGaT Center for Human Genetics Tuebingen
Classification: Likely pathogenic. Last evaluated: 2017-02-01. Review status: criteria provided, single submitter. Criteria: CeGaT Center For Human Genetics Tuebingen Variant Classification Criteria Version 2. Collection method: clinical testing. Allele origin: germline. Affected: yes. Observed: 1 variant allele.

ISTH-SSC Genomics in Thrombosis and Hemostasis, KU Leuven, Center for Molecular and Vascular Biology
Classification: Uncertain significance for Hereditary factor VIII deficiency disease. Review status: no assertion criteria provided. Collection method: clinical testing. Allele origin: unknown. Affected: yes. Not counted in ClinVar's aggregate classification.
Comment: Submitted to GoldVariant by Prof Kathleen Freson from Center for Molecular and Vascular Biology, Leuven, Belgium

NM_000132.4(F8):c.1835G>T (p.Arg612Leu)

Gene: F8 (coagulation factor VIII; minus strand). Cytogenetic location: Xq28.
Variant type: single nucleotide variant.
Coding change: c.1835G>T on transcript NM_000132.4 (MANE Select); coding-DNA position 1835, G replaced by T.
Protein change: p.Arg612Leu; replaces arginine 612 with leucine.
Molecular consequence: missense variant.
Genome position (GRCh38, 1-based): chrX:154,953,960, C>A on the plus strand (G>T on the coding strand, the complement: F8 is on the minus strand). VCF-style: chrX-154953960-C-A. GRCh37 (hg19) VCF-style: chrX-154182235-C-A.
Other names: short protein forms R612L.
Identifiers: ClinVar variation 807877 (VCV000807877.44), dbSNP rs782473762, ClinGen allele CA414910774.